The following is an entry in ClinVar:

NM_001018005.2(TPM1):c.310G>A (p.Glu104Lys)

Gene: TPM1 (tropomyosin 1; plus strand). Cytogenetic location: 15q22.2.
Variant type: single nucleotide variant.
Coding change: c.310G>A on transcript NM_001018005.2 (MANE Select); coding-DNA position 310, G replaced by A.
Protein change: p.Glu104Lys; replaces glutamic acid 104 with lysine.
Molecular consequence: missense variant. On other transcripts: non-coding transcript variant (17).
Genome position (GRCh38, 1-based): chr15:63,057,054, G>A. VCF-style: chr15-63057054-G-A. GRCh37 (hg19) VCF-style: chr15-63349253-G-A.
Other names: c.310G>A, p.Glu104Lys (NM_000366.6, NM_001018004.2, NM_001018006.2 and 20 more transcripts); c.202G>A, p.Glu68Lys (NM_001018008.2, NM_001301289.2, NM_001330344.2 and 9 more transcripts); c.436G>A, p.Glu146Lys (NM_001365778.1, NM_001407322.1, NM_001407323.1 and 1 more transcripts); short protein forms E104K, E146K, E68K.
Identifiers: ClinVar variation 3646985 (VCV003646985.2).

ClinVar aggregate classification (germline): Uncertain significance (1 of 4 stars; one submission).

Conditions:
Hypertrophic cardiomyopathy. Also called: HYPERTROPHIC MYOCARDIOPATHY. Identifiers: Orphanet 217569, MedGen C0007194, MeSH D002312, MONDO:0005045, HP:0001639.

Submission:

Labcorp Genetics (formerly Invitae), Labcorp
Classification: Uncertain significance for Hypertrophic cardiomyopathy. Last evaluated: 2024-03-20. Review status: criteria provided, single submitter. Criteria: Invitae Variant Classification Sherloc (09022015). Collection method: clinical testing. Allele origin: germline.
Comment: This sequence change replaces glutamic acid, which is acidic and polar, with lysine, which is basic and polar, at codon 104 of the TPM1 protein (p.Glu104Lys). This variant is not present in population databases (gnomAD no frequency). This variant has not been reported in the literature in individuals affected with TPM1-related conditions. An algorithm developed to predict the effect of missense changes on protein structure and function (PolyPhen-2) suggests that this variant is likely to be disruptive. In summary, the available evidence is currently insufficient to determine the role of this variant in disease. Therefore, it has been classified as a Variant of Uncertain Significance.